The following is an entry in ClinVar:

NM_003458.4(BSN):c.10016T>C (p.Met3339Thr)

Gene: BSN (bassoon presynaptic cytomatrix protein; plus strand). Cytogenetic location: 3p21.31.
Variant type: single nucleotide variant.
Coding change: c.10016T>C on transcript NM_003458.4 (MANE Select); coding-DNA position 10016, T replaced by C.
Protein change: p.Met3339Thr; replaces methionine 3339 with threonine.
Molecular consequence: missense variant.
Genome position (GRCh38, 1-based): chr3:49,661,861, T>C. VCF-style: chr3-49661861-T-C. GRCh37 (hg19) VCF-style: chr3-49699294-T-C.
Other names: short protein forms M3339T.
Identifiers: ClinVar variation 4646806 (VCV004646806.1).

ClinVar aggregate classification (germline): Uncertain significance (1 of 4 stars; one submission).

gnomAD v4.1: 36 of 1,613,532 alleles (0.0022%); highest among the groups gnomAD compares: Admixed American, 0.042%; no homozygotes.

Submission:

Ambry Genetics
Classification: Uncertain significance. Last evaluated: 2025-09-27. Review status: criteria provided, single submitter. Criteria: Ambry Variant Classification Scheme 2023. Collection method: clinical testing. Allele origin: germline.
Comment: The c.10016T>C (p.M3339T) alteration is located in exon 6 (coding exon 6) of the BSN gene. This alteration results from a T to C substitution at nucleotide position 10016, causing the methionine (M) at amino acid position 3339 to be replaced by a threonine (T). Based on data from gnomAD, the C allele has an overall frequency of 0.005% (13/250592) total alleles studied. The highest observed frequency was 0.035% (12/34572) of Latino alleles. Based on insufficient or conflicting evidence, the clinical significance of this alteration remains unclear.